The following is an entry in ClinVar:

ClinVar aggregate classification (germline): Conflicting classifications of pathogenicity. Review status: criteria provided, conflicting classifications (1 of 4 stars). 6 submissions from 6 submitters: Pathogenic (2); Likely pathogenic (3); Uncertain significance (1). Last evaluated 2026-09-14.

Conditions:
TULP1-related disorder. Also called: TULP1-related condition; TULP1-related disorders.
Retinal dystrophy. Also called: Inherited retinal dystrophy. Identifiers: Orphanet 71862, MedGen C0854723, MeSH D058499, MONDO:0019118, HP:0000556.
Retinitis pigmentosa 14 (RP14). Also called: RETINITIS PIGMENTOSA, JUVENILE, TULP1-RELATED. Identifiers: Orphanet 791, MedGen C1838603, MONDO:0010827, OMIM 600132.

Allele frequency attached by ClinVar (database versions not stated): TOPMed below 0.00001; gnomAD 0.00001; gnomAD exomes 0.00001; ExAC 0.00004; 1000 Genomes Project 30x 0.00016; 1000 Genomes Project 0.00020.

Submissions (6):

PreventionGenetics, part of Exact Sciences
Classification: Likely pathogenic for TULP1-related condition. Last evaluated: 2026-09-14. Review status: criteria provided, single submitter. Criteria: ACMG Guidelines, 2015. Collection method: clinical testing. Allele origin: germline.
Comment: The TULP1 c.1246C>T variant is predicted to result in the amino acid substitution p.Arg416Cys. This variant has been reported with a second TULP1 variant in two unrelated individuals with autosomal recessive retinitis pigmentosa and demonstrated segregation with disease in one family (Katagiri et al. 2014. PubMed ID: 25268133; Table S8, Koyanagi et al. 2019. PubMed ID: 31213501). This variant is reported in 0.0020% of alleles in individuals of European (Non-Finnish) descent in gnomAD. This variant is interpreted as likely pathogenic.

Women's Health and Genetics/Laboratory Corporation of America, LabCorp
Classification: Uncertain significance. Last evaluated: 2025-06-23. Review status: criteria provided, single submitter. Criteria: LabCorp Variant Classification Summary - May 2015. Collection method: clinical testing. Allele origin: germline.
Comment: Variant summary: TULP1 c.1246C>T (p.Arg416Cys) results in a non-conservative amino acid change located in the Tubby, C-terminal domain (IPR000007) of the encoded protein sequence. Algorithms developed to predict the effect of missense changes on protein structure and function all suggest that this variant is likely to be disruptive. The frequency data for this variant in gnomAD is considered unreliable, as metrics indicate poor data quality at this position. c.1246C>T has been reported in the literature in the compound heterozygous state in individuals affected with retinitis pigmentosa and segregated with disease in at least one family (example, Katagiri_2014, Koyanagi_2019, Suga_2022). These data indicate that the variant may be associated with disease. To our knowledge, no experimental evidence demonstrating an impact on protein function has been reported. The following publications have been ascertained in the context of this evaluation (PMID: 25268133, 31213501, 36284460). ClinVar contains an entry for this variant (Variation ID: 1683297). Based on the evidence outlined above, the variant was classified as VUS-possibly pathogenic.

GeneDx
Classification: Likely pathogenic. Last evaluated: 2025-02-19. Review status: criteria provided, single submitter. Criteria: GeneDx Variant Classification Process June 2021. Collection method: clinical testing. Allele origin: germline. Affected: yes.
Comment: Not observed at significant frequency in large population cohorts (gnomAD); In silico analysis supports that this missense variant has a deleterious effect on protein structure/function; This variant is associated with the following publications: (PMID: 25268133, 27440997, 29843741, 36284460, 31213501)

3billion
Classification: Pathogenic for Retinitis pigmentosa 14. Last evaluated: 2024-10-10. Review status: criteria provided, single submitter. Criteria: ACMG Guidelines, 2015. Collection method: clinical testing. Allele origin: germline. Affected: yes.
Comment: The variant is observed at an extremely low frequency in the gnomAD v4.1.0 dataset (total allele frequency: <0.001%). Predicted Consequence/Location: Missense variant In silico tool predictions suggest damaging effect of the variant on gene or gene product [REVEL: 0.94 (>=0.6, sensitivity 0.68 and specificity 0.92); 3Cnet: 0.79 (>=0.6, sensitivity 0.72 and precision 0.9)]. The same nucleotide change resulting in the same amino acid change has been previously reported as pathogenic/likely pathogenic with strong evidence (ClinVar ID: VCV001683297 /PMID: 25268133 /3billion dataset).The variant has been reported to be in trans with a pathogenic variant as either compound heterozygous or homozygous in at least 2 similarly affected unrelated individuals (PMID: 25268133 /3billion dataset). Therefore, this variant is classified as Pathogenic according to the recommendation of ACMG/AMP guideline.

Dept Of Ophthalmology, Nagoya University
Classification: Likely pathogenic for Retinal dystrophy. Last evaluated: 2023-10-01. Review status: criteria provided, single submitter. Criteria: Submitter's publication. Collection method: research. Allele origin: germline. Affected: yes.

Labcorp Genetics (formerly Invitae), Labcorp
Classification: Pathogenic. Last evaluated: 2023-06-20. Review status: criteria provided, single submitter. Criteria: Invitae Variant Classification Sherloc (09022015). Collection method: clinical testing. Allele origin: germline.
Comment: This sequence change replaces arginine, which is basic and polar, with cysteine, which is neutral and slightly polar, at codon 416 of the TULP1 protein (p.Arg416Cys). The frequency data for this variant in the population databases is considered unreliable, as metrics indicate poor data quality at this position in the gnomAD database. This missense change has been observed in individual(s) with retinitis pigmentosa (PMID: 25268133, 31213501). In at least one individual the data is consistent with being in trans (on the opposite chromosome) from a pathogenic variant. It has also been observed to segregate with disease in related individuals. ClinVar contains an entry for this variant (Variation ID: 1683297). Advanced modeling of protein sequence and biophysical properties (such as structural, functional, and spatial information, amino acid conservation, physicochemical variation, residue mobility, and thermodynamic stability) performed at Invitae indicates that this missense variant is expected to disrupt TULP1 protein function. For these reasons, this variant has been classified as Pathogenic.

Literature cited by the submitters: PubMed 25268133 (cited by 3 submitters); PubMed 31213501 (cited by Women's Health and Genetics/Laboratory Corporation of America, LabCorp and Labcorp Genetics (formerly Invitae), Labcorp); PubMed 36284460 (cited by Women's Health and Genetics/Laboratory Corporation of America, LabCorp).

NM_003322.6(TULP1):c.1246C>T (p.Arg416Cys)

Gene: TULP1 (TUB like protein 1; minus strand). Cytogenetic location: 6p21.31.
Variant type: single nucleotide variant.
Coding change: c.1246C>T on transcript NM_003322.6 (MANE Select); coding-DNA position 1246, C replaced by T.
Protein change: p.Arg416Cys; replaces arginine 416 with cysteine.
Molecular consequence: missense variant.
Genome position (GRCh38, 1-based): chr6:35,503,636, G>A on the plus strand (C>T on the coding strand, the complement: TULP1 is on the minus strand). VCF-style: chr6-35503636-G-A. GRCh37 (hg19) VCF-style: chr6-35471413-G-A.
Other names: c.1246C>T (NM_003322.3); c.1087C>T, p.Arg363Cys (NM_001289395.2); short protein forms R363C, R416C.
Identifiers: ClinVar variation 1683297 (VCV001683297.11), dbSNP rs200769197, ClinGen allele CA3772615.
Genomic context (GRCh38, chr6:35,503,636, plus strand): 5'-GGACCCTCTCGTTCTCCGCACTCATGCCAGGAATGATGACGGTCATGCGCCGGGGGCCAC[G>A]GAAGCCCAGCACGTTGGTTTCCTGGGAAGGAAACAGATGCCTGTGAGGCCAGCCCCTGTA-3'
Protein context (NP_003313.3, residues 406-426): VIYETNVLGF[Arg416Cys]GPRRMTVIIP